The following is an entry in ClinVar:

ClinVar aggregate classification (germline): Uncertain significance. Review status: criteria provided, multiple submitters, no conflicts (2 of 4 stars). 2 submissions from 2 submitters: Uncertain significance (2). Last evaluated 2024-09-10.

Conditions:
Colorectal cancer, hereditary nonpolyposis, type 7. Identifiers: Orphanet 144, MedGen C1858380, MONDO:0013725, OMIM 614385.

Allele frequency attached by ClinVar (database versions not stated): ExAC 0.00001; gnomAD exomes 0.00001.

Submissions (2):

Labcorp Genetics (formerly Invitae), Labcorp
Classification: Uncertain significance for Colorectal cancer, hereditary nonpolyposis, type 7. Last evaluated: 2024-09-10. Review status: criteria provided, single submitter. Criteria: Invitae Variant Classification Sherloc (09022015). Collection method: clinical testing. Allele origin: germline.
Comment: This sequence change replaces threonine, which is neutral and polar, with isoleucine, which is neutral and non-polar, at codon 422 of the MLH3 protein (p.Thr422Ile). This variant is present in population databases (rs752370756, gnomAD 0.006%). This variant has not been reported in the literature in individuals affected with MLH3-related conditions. An algorithm developed to predict the effect of missense changes on protein structure and function outputs the following: PolyPhen-2: "Benign". The isoleucine amino acid residue is found in multiple mammalian species, which suggests that this missense change does not adversely affect protein function. In summary, the available evidence is currently insufficient to determine the role of this variant in disease. Therefore, it has been classified as a Variant of Uncertain Significance.

Ambry Genetics
Classification: Uncertain significance. Last evaluated: 2023-12-14. Review status: criteria provided, single submitter. Criteria: Ambry Variant Classification Scheme 2023. Collection method: clinical testing. Allele origin: germline.
Comment: The p.T422I variant (also known as c.1265C>T), located in coding exon 1 of the MLH3 gene, results from a C to T substitution at nucleotide position 1265. The threonine at codon 422 is replaced by isoleucine, an amino acid with similar properties. This amino acid position is conserved. In addition, this alteration is predicted to be tolerated by in silico analysis. Since supporting evidence is limited at this time, the clinical significance of this alteration remains unclear.

NM_001040108.2(MLH3):c.1265C>T (p.Thr422Ile)

Gene: MLH3 (mutL homolog 3; minus strand). Cytogenetic location: 14q24.3.
Variant type: single nucleotide variant.
Coding change: c.1265C>T on transcript NM_001040108.2 (MANE Select); coding-DNA position 1265, C replaced by T.
Protein change: p.Thr422Ile; replaces threonine 422 with isoleucine.
Molecular consequence: missense variant.
Genome position (GRCh38, 1-based): chr14:75,048,391, G>A on the plus strand (C>T on the coding strand, the complement: MLH3 is on the minus strand). VCF-style: chr14-75048391-G-A. GRCh37 (hg19) VCF-style: chr14-75515094-G-A.
Other names: c.1265C>T, p.Thr422Ile (NM_014381.3); short protein forms T422I.
Identifiers: ClinVar variation 3232432 (VCV003232432.3), dbSNP rs752370756, ClinGen allele CA7275897.